The following is an entry in ClinVar:

NM_000334.4(SCN4A):c.3441+4G>A

Genes: GH-LCR (growth hormone locus control region; plus strand), SCN4A (sodium voltage-gated channel alpha subunit 4; minus strand). Cytogenetic location: 17q23.3.
Variant type: single nucleotide variant.
Coding change: c.3441+4G>A on transcript NM_000334.4 (MANE Select); 4 bases into the intron after coding-DNA position 3441, G replaced by A.
Molecular consequence: intron variant.
Genome position (GRCh38, 1-based): chr17:63,947,041, C>T on the plus strand (G>A on the coding strand, the complement: SCN4A is on the minus strand). VCF-style: chr17-63947041-C-T. GRCh37 (hg19) VCF-style: chr17-62024401-C-T.
Identifiers: ClinVar variation 510915 (VCV000510915.9), dbSNP rs765176007, ClinGen allele CA8709282.

ClinVar aggregate classification (germline): Conflicting classifications of pathogenicity. Review status: criteria provided, conflicting classifications (1 of 4 stars). 3 submissions from 3 submitters: Uncertain significance (2); Likely benign (1). Last evaluated 2024-03-08.

Conditions:
Paramyotonia congenita of Von Eulenburg. Also called: PARALYSIS PERIODICA PARAMYOTONICA; Paramyotonia Congenita; Eulenburg disease; Myotonia congenita intermittens; Von Eulenburg paramyotonia congenita. Identifiers: Orphanet 684, MedGen C0221055, MONDO:0008195, OMIM 168300. Disease mechanism: loss of function.
Hypokalemic periodic paralysis, type 2 (HOKPP2). Identifiers: Orphanet 681, MedGen C2750061, MONDO:0013234, OMIM 613345.
Potassium-aggravated myotonia. Also called: MYOTONIA CONGENITA, ACETAZOLAMIDE-RESPONSIVE; MYOTONIA CONGENITA, ATYPICAL; Myotonia congenita, atypical, acetazolamide-responsive; SODIUM CHANNEL MUSCLE DISEASE. Identifiers: Orphanet 612, Orphanet 99734, Orphanet 99735, Orphanet 99736, MedGen C2931826, MONDO:0018959, OMIM 608390.
Congenital myasthenic syndrome 16. Identifiers: Orphanet 590, MedGen C3280112, MONDO:0013620, OMIM 614198.
Hyperkalemic periodic paralysis. Also called: Familial hyperkalemic periodic paralysis; Gamstorp disease. Identifiers: Orphanet 682, MedGen C0238357, MONDO:0008224, OMIM 170500, HP:0007215.
Congenital myopathy 22A, classic (CMYO22A). Identifiers: MedGen C5830453, MONDO:0957247, OMIM 620351.
Congenital myopathy 22B, severe fetal (CMYO22B). Identifiers: MedGen C5830501, MONDO:0957265, OMIM 620369.

Allele frequency attached by ClinVar (database versions not stated): ExAC 0.00004; gnomAD exomes 0.00001; gnomAD 0.00001; TOPMed below 0.00001.
gnomAD v4.1: 9 of 1,611,084 alleles (0.00056%); highest among the groups gnomAD compares: Non-Finnish European, 0.00068%; no homozygotes.

Submissions (3):

Fulgent Genetics
Classification: Uncertain significance for Paramyotonia congenita of Von Eulenburg; Hyperkalemic periodic paralysis; Potassium-aggravated myotonia; Hypokalemic periodic paralysis, type 2; Congenital myasthenic syndrome 16; Congenital myopathy 22A, classic; Congenital myopathy 22B, severe fetal. Last evaluated: 2024-03-08. Review status: criteria provided, single submitter. Criteria: ACMG Guidelines, 2015. Collection method: clinical testing. Allele origin: germline.

Labcorp Genetics (formerly Invitae), Labcorp
Classification: Uncertain significance for Hyperkalemic periodic paralysis. Last evaluated: 2021-11-02. Review status: criteria provided, single submitter. Criteria: Invitae Variant Classification Sherloc (09022015). Collection method: clinical testing. Allele origin: germline.
Comment: Variants that disrupt the consensus splice site are a relatively common cause of aberrant splicing (PMID: 17576681, 9536098). Algorithms developed to predict the effect of sequence changes on RNA splicing suggest that this variant is not likely to affect RNA splicing. This sequence change falls in intron 18 of the SCN4A gene. It does not directly change the encoded amino acid sequence of the SCN4A protein. It affects a nucleotide within the consensus splice site. This variant is present in population databases (rs765176007, gnomAD 0.004%). This variant has not been reported in the literature in individuals affected with SCN4A-related conditions. ClinVar contains an entry for this variant (Variation ID: 510915). In summary, the available evidence is currently insufficient to determine the role of this variant in disease. Therefore, it has been classified as a Variant of Uncertain Significance.

GeneDx
Classification: Likely benign. Last evaluated: 2017-07-28. Review status: criteria provided, single submitter. Criteria: GeneDx Variant Classification (06012015). Collection method: clinical testing. Allele origin: germline. Affected: yes.
Comment: This variant is considered likely benign or benign based on one or more of the following criteria: it is a conservative change, it occurs at a poorly conserved position in the protein, it is predicted to be benign by multiple in silico algorithms, and/or has population frequency not consistent with disease.

Literature cited by the submitters: PubMed 17576681 (cited by Labcorp Genetics (formerly Invitae), Labcorp); PubMed 9536098 (cited by Labcorp Genetics (formerly Invitae), Labcorp).